The following is an entry in ClinVar:

ClinVar aggregate classification (germline): Uncertain significance. Review status: criteria provided, multiple submitters, no conflicts (2 of 4 stars). 3 submissions from 3 submitters: Uncertain significance (3). Last evaluated 2025-11-27.

Conditions:
Inborn genetic diseases. Identifiers: MedGen C0950123, MeSH D030342.

Allele frequency attached by ClinVar (database versions not stated): TOPMed 0.00001; ExAC 0.00001; gnomAD exomes below 0.00001; gnomAD 0.00001.
gnomAD v4.1: 4 of 1,613,894 alleles (0.00025%); highest among the groups gnomAD compares: African/African-American, 0.0053%; no homozygotes.

Submissions (3):

Labcorp Genetics (formerly Invitae), Labcorp
Classification: Uncertain significance. Last evaluated: 2025-11-27. Review status: criteria provided, single submitter. Criteria: Invitae Variant Classification Sherloc (09022015). Collection method: clinical testing. Allele origin: germline.
Comment: This sequence change replaces proline, which is neutral and non-polar, with leucine, which is neutral and non-polar, at codon 189 of the DDX41 protein (p.Pro189Leu). This variant is present in population databases (rs776934246, gnomAD 0.008%). This missense change has been observed in individual(s) with clinical features of myelodysplastic syndrome (PMID: 35671390, 37199125). ClinVar contains an entry for this variant (Variation ID: 1336295). An algorithm developed to predict the effect of missense changes on protein structure and function (PolyPhen-2) suggests that this variant is likely to be disruptive. In summary, the available evidence is currently insufficient to determine the role of this variant in disease. Therefore, it has been classified as a Variant of Uncertain Significance.

Ambry Genetics
Classification: Uncertain significance for Inborn genetic diseases. Last evaluated: 2025-08-22. Review status: criteria provided, single submitter. Criteria: Ambry Variant Classification Scheme 2023. Collection method: clinical testing. Allele origin: germline.
Comment: The p.P189L variant (also known as c.566C>T), located in coding exon 6 of the DDX41 gene, results from a C to T substitution at nucleotide position 566. The proline at codon 189 is replaced by leucine, an amino acid with similar properties. This amino acid position is highly conserved in available vertebrate species. In addition, the in silico prediction for this alteration is inconclusive. Based on the available evidence, the clinical significance of this variant remains unclear.

Genetic Services Laboratory, University of Chicago
Classification: Uncertain significance. Last evaluated: 2019-06-08. Review status: criteria provided, single submitter. Criteria: ACMG Guidelines, 2015. Collection method: clinical testing. Allele origin: germline. Affected: no.

Literature cited by the submitters: PubMed 35671390 (cited by Labcorp Genetics (formerly Invitae), Labcorp); PubMed 37199125 (cited by Labcorp Genetics (formerly Invitae), Labcorp).

NM_016222.4(DDX41):c.566C>T (p.Pro189Leu)

Gene: DDX41 (DEAD-box helicase 41; minus strand). Cytogenetic location: 5q35.3.
Variant type: single nucleotide variant.
Coding change: c.566C>T on transcript NM_016222.4 (MANE Select); coding-DNA position 566, C replaced by T.
Protein change: p.Pro189Leu; replaces proline 189 with leucine.
Molecular consequence: missense variant.
Genome position (GRCh38, 1-based): chr5:177,515,690, G>A on the plus strand (C>T on the coding strand, the complement: DDX41 is on the minus strand). VCF-style: chr5-177515690-G-A. GRCh37 (hg19) VCF-style: chr5-176942691-G-A.
Other names: c.188C>T, p.Pro63Leu (NM_001321732.2, NM_001321830.2); short protein forms P189L, P63L.
Identifiers: ClinVar variation 1336295 (VCV001336295.8), dbSNP rs776934246, ClinGen allele CA3585165.
Genomic context (GRCh38, chr5:177,515,690, plus strand): 5'-ACCTCACAGGCATTTGATTATAAAAGTGTGGTATCTCTCTCCAGCCCCTGACTACCTGCA[G>A]GAAACTTCATTTCCTTGAAGCTCTTGATGGGTGGTGGGATACCGTCTCCCTCCACCAGGA-3'
Protein context (NP_057306.2, residues 179-199): PIKSFKEMKF[Pro189Leu]AAILRGLKKK